The following is an entry in ClinVar:

ClinVar aggregate classification (germline): Uncertain significance (1 of 4 stars; one submission).

Submission:

GeneDx
Classification: Uncertain significance. Last evaluated: 2023-12-13. Review status: criteria provided, single submitter. Criteria: GeneDx Variant Classification Process June 2021. Collection method: clinical testing. Allele origin: germline. Affected: yes.
Comment: Not observed at significant frequency in large population cohorts (gnomAD); In silico analysis supports that this missense variant does not alter protein structure/function; Has not been previously published as pathogenic or benign to our knowledge

NM_001372044.2(SHANK3):c.2342T>C (p.Ile781Thr)

Gene: SHANK3 (SH3 and multiple ankyrin repeat domains 3; plus strand). Cytogenetic location: 22q13.33.
Variant type: single nucleotide variant.
Coding change: c.2342T>C on transcript NM_001372044.2 (MANE Select); coding-DNA position 2342, T replaced by C.
Protein change: p.Ile781Thr; replaces isoleucine 781 with threonine.
Molecular consequence: missense variant.
Genome position (GRCh38, 1-based): chr22:50,711,621, T>C. VCF-style: chr22-50711621-T-C. GRCh37 (hg19) VCF-style: chr22-51150049-T-C.
Other names: c.2117T>C (NM_033517.1); short protein forms I781T.
Identifiers: ClinVar variation 3365681 (VCV003365681.1).